The following is an entry in ClinVar:

ClinVar aggregate classification (germline): Uncertain significance (1 of 4 stars; one submission).

Conditions:
Hereditary cancer-predisposing syndrome. Also called: Neoplastic Syndromes, Hereditary; Tumor predisposition; Hereditary neoplastic syndrome; Hereditary Cancer Syndrome. Identifiers: Orphanet 140162, MedGen C0027672, MeSH D009386, MONDO:0015356.

gnomAD v4.1: 11 of 1,614,118 alleles (0.00068%); highest among the groups gnomAD compares: Non-Finnish European, 0.00093%; no homozygotes.

Submission:

Ambry Genetics
Classification: Uncertain significance for Hereditary cancer-predisposing syndrome. Last evaluated: 2026-07-06. Review status: criteria provided, single submitter. Criteria: Ambry Variant Classification Scheme 2023. Collection method: clinical testing. Allele origin: germline.
Comment: The p.Q119K variant (also known as c.355C>A), located in coding exon 1 of the AXIN2 gene, results from a C to A substitution at nucleotide position 355. The glutamine at codon 119 is replaced by lysine, an amino acid with similar properties. This amino acid position is conserved. In addition, this alteration is predicted to be tolerated by in silico analysis. Based on the available evidence, the clinical significance of this variant remains unclear.

NM_004655.4(AXIN2):c.355C>A (p.Gln119Lys)

Gene: AXIN2 (axin 2; minus strand). Cytogenetic location: 17q24.1.
Variant type: single nucleotide variant.
Coding change: c.355C>A on transcript NM_004655.4 (MANE Select); coding-DNA position 355, C replaced by A.
Protein change: p.Gln119Lys; replaces glutamine 119 with lysine.
Molecular consequence: missense variant.
Genome position (GRCh38, 1-based): chr17:65,558,266, G>T on the plus strand (C>A on the coding strand, the complement: AXIN2 is on the minus strand). VCF-style: chr17-65558266-G-T. GRCh37 (hg19) VCF-style: chr17-63554384-G-T.
Other names: c.355C>A, p.Gln119Lys (NM_001363813.1); short protein forms Q119K.
Identifiers: ClinVar variation 5032564 (VCV005032564.1).
Genomic context (GRCh38, chr17:65,558,266, plus strand): 5'-TGTACCTTTTGTAGATCGCTTTGGCTACTCGTAAAGTTTTGGTATCCTTCAGGTTCATCT[G>T]CCTGAATCCATTGCAGGCAAACCAGAAGTCTAAGGTATCCACGCATTTCTCCCTCTCCAG-3'
Protein context (NP_004646.3, residues 109-129): DFWFACNGFR[Gln119Lys]MNLKDTKTLR